The following is an entry in ClinVar:

NM_005535.3(IL12RB1):c.1621G>A (p.Val541Met)

Gene: IL12RB1 (interleukin 12 receptor subunit beta 1; minus strand). Cytogenetic location: 19p13.11.
Variant type: single nucleotide variant.
Coding change: c.1621G>A on transcript NM_005535.3 (MANE Select); coding-DNA position 1621, G replaced by A.
Protein change: p.Val541Met; replaces valine 541 with methionine.
Molecular consequence: missense variant.
Genome position (GRCh38, 1-based): chr19:18,062,275, C>T on the plus strand (G>A on the coding strand, the complement: IL12RB1 is on the minus strand). VCF-style: chr19-18062275-C-T. GRCh37 (hg19) VCF-style: chr19-18173085-C-T.
Other names: c.1621G>A, p.Val541Met (NM_001290023.2); c.1741G>A, p.Val581Met (NM_001290024.2); short protein forms V541M, V581M.
Identifiers: ClinVar variation 578545 (VCV000578545.9), dbSNP rs776936363, ClinGen allele CA404776218.
Genomic context (GRCh38, chr19:18,062,275, plus strand): 5'-GAAGGATGCTCAGGAAGCTCCCCAGGGAGGCGAAGAAGATGAGCCAATCAGAAACCTGCA[C>T]TTCTGAGGTGGGAGAGCGTGGGTTGGCAGAGGGCTACCTCCTGCCTCTTCCTCAGGGAAG-3'
Protein context (NP_005526.1, residues 531-551): WSQPQRFSIE[Val541Met]QVSDWLIFFA

ClinVar aggregate classification (germline): Uncertain significance (1 of 4 stars; one submission).

Conditions:
Mendelian susceptibility to mycobacterial diseases due to complete IL12RB1 deficiency. Also called: IL12RB1 DEFICIENCY; Immunodeficiency 30. Identifiers: Orphanet 319552, MedGen C4013949, MONDO:0013955, OMIM 614891.

gnomAD v4.1: 1 of 1,605,582 alleles (0.000062%); no homozygotes.

Submission:

Labcorp Genetics (formerly Invitae), Labcorp
Classification: Uncertain significance for Mendelian susceptibility to mycobacterial diseases due to complete IL12RB1 deficiency. Last evaluated: 2022-02-24. Review status: criteria provided, single submitter. Criteria: Invitae Variant Classification Sherloc (09022015). Collection method: clinical testing. Allele origin: germline.
Comment: This variant is not present in population databases (gnomAD no frequency). In summary, the available evidence is currently insufficient to determine the role of this variant in disease. Therefore, it has been classified as a Variant of Uncertain Significance. Algorithms developed to predict the effect of sequence changes on RNA splicing suggest that this variant may create or strengthen a splice site. Algorithms developed to predict the effect of missense changes on protein structure and function are either unavailable or do not agree on the potential impact of this missense change (SIFT: "Deleterious"; PolyPhen-2: "Possibly Damaging"; Align-GVGD: "Class C0"). ClinVar contains an entry for this variant (Variation ID: 578545). This variant has not been reported in the literature in individuals affected with IL12RB1-related conditions. This sequence change replaces valine, which is neutral and non-polar, with methionine, which is neutral and non-polar, at codon 541 of the IL12RB1 protein (p.Val541Met).